The following is an entry in ClinVar:

ClinVar aggregate classification (germline): Pathogenic (1 of 4 stars; one submission).

Conditions:
JAG1-related disorder. Also called: JAG1-related condition; JAG1-related disorders.

Submission:

PreventionGenetics, part of Exact Sciences
Classification: Pathogenic for JAG1-related condition. Last evaluated: 2025-04-06. Review status: criteria provided, single submitter. Criteria: ACMG Guidelines, 2015. Collection method: clinical testing. Allele origin: germline.
Comment: The JAG1 c.2172_2184del13 variant is predicted to result in a frameshift and premature protein termination (p.Asp725Alafs*14). To our knowledge, this variant has not been reported in the literature or in a large population database (gnomAD), indicating this variant is rare. Frameshift variants in JAG1 are expected to be pathogenic. This variant is interpreted as pathogenic.

NM_000214.3(JAG1):c.2172_2184del (p.Asp725fs)

Gene: JAG1 (jagged canonical Notch ligand 1; minus strand). Cytogenetic location: 20p12.2.
Variant type: Deletion.
Coding change: c.2172_2184del on transcript NM_000214.3 (MANE Select); coding-DNA positions 2172 to 2184, 13 bases deleted (GGATGCTTTTAAG).
Protein change: p.Asp725fs; shifts the reading frame from aspartic acid 725.
Molecular consequence: frameshift variant.
Genome position (GRCh38, 1-based): chr20:10,645,186-10,645,198, CTTAAAAGCATCC deleted on the plus strand (GGATGCTTTTAAG on the coding strand, the reverse complement: JAG1 is on the minus strand); deleting any 13 consecutive bases within chr20:10,645,186-10,645,199 gives the same sequence; the c. name uses the placement nearest the transcript's 3' end. VCF-style (leftmost placement, unchanged base first): chr20-10645185-ACTTAAAAGCATCC-A. GRCh37 (hg19) VCF-style: chr20-10625833-ACTTAAAAGCATCC-A.
Other names: short protein forms D725fs.
Identifiers: ClinVar variation 4999622 (VCV004999622.1).
Genomic context (GRCh38, chr20:10,645,185, plus strand): 5'-CGTGGGGCATAAAGTTACCTATGTTACAGGTTGTTCCTTCCCAGCCGCCAGGACACATGC[ACTTAAAAGCATCC>A]CCCTCATCATAGCAGGTGCCACCGTTGTTGCACGTGGCCTCATCACACTGACTGTCACCT-3'